The following is an entry in ClinVar:

ClinVar aggregate classification (germline): Uncertain significance (1 of 4 stars; one submission).

Submission:

Labcorp Genetics (formerly Invitae), Labcorp
Classification: Uncertain significance. Last evaluated: 2024-07-25. Review status: criteria provided, single submitter. Criteria: Invitae Variant Classification Sherloc (09022015). Collection method: clinical testing. Allele origin: germline.
Comment: This variant, c.447_461dup, results in the insertion of 5 amino acid(s) of the TBX20 protein (p.Met150_Pro154dup), but otherwise preserves the integrity of the reading frame. This variant is not present in population databases (gnomAD no frequency). This variant has not been reported in the literature in individuals affected with TBX20-related conditions. In summary, the available evidence is currently insufficient to determine the role of this variant in disease. Therefore, it has been classified as a Variant of Uncertain Significance.

NM_001077653.2(TBX20):c.447_461dup (p.Pro154_Val155insMetAspIleValPro)

Gene: TBX20 (T-box transcription factor 20; minus strand). Cytogenetic location: 7p14.2.
Variant type: Duplication.
Coding change: c.447_461dup on transcript NM_001077653.2 (MANE Select); coding-DNA positions 447 to 461, 15 bases duplicated (GATGGACATCGTCCC).
Protein change: p.Pro154_Val155insMetAspIleValPro.
Molecular consequence: inframe insertion.
Genome position (GRCh38, 1-based): chr7:35,248,761-35,248,775, GGGACGATGTCCATC duplicated on the plus strand (GATGGACATCGTCCC on the coding strand, the reverse complement: TBX20 is on the minus strand). VCF-style (leftmost placement, unchanged base first): chr7-35248760-A-AGGGACGATGTCCATC. GRCh37 (hg19) VCF-style: chr7-35288372-A-AGGGACGATGTCCATC.
Other names: c.447_461dup, p.Pro154_Val155insMetAspIleValPro (NM_001166220.1).
Identifiers: ClinVar variation 3626713 (VCV003626713.2).